The following is an entry in ClinVar:

ClinVar aggregate classification (germline): Benign. Review status: criteria provided, multiple submitters, no conflicts (2 of 4 stars). 9 submissions from 8 submitters: Benign (9). Last evaluated 2026-02-04.

Conditions:
Autosomal dominant hypophosphatemic rickets (ADHR). Also called: HYPOPHOSPHATEMIA, AUTOSOMAL DOMINANT; VITAMIN D-RESISTANT RICKETS, AUTOSOMAL DOMINANT. Identifiers: Orphanet 89937, MedGen C0342642, MONDO:0008660, OMIM 193100.
Tumoral calcinosis, hyperphosphatemic, familial, 2. Identifiers: MedGen C4693863, MONDO:0060714, OMIM 617993.

Allele frequency attached by ClinVar (database versions not stated): ESP Exome Variant Server 0.10534; gnomAD 0.11385 and 0.11590; gnomAD exomes 0.11813 and 0.12911; TOPMed 0.11965; ExAC 0.12388; 1000 Genomes Project 30x 0.14569; 1000 Genomes Project 0.14736.
gnomAD v4.1: 190,120 of 1,613,426 alleles (12%); highest among the groups gnomAD compares: Admixed American, 20%; 12,004 homozygotes.

Submissions (9):

Labcorp Genetics (formerly Invitae), Labcorp
Classification: Benign. Last evaluated: 2026-02-04. Review status: criteria provided, single submitter. Criteria: Invitae Variant Classification Sherloc (09022015). Collection method: clinical testing. Allele origin: germline.

Blueprint Genetics
Classification: Benign. Last evaluated: 2024-11-27. Review status: criteria provided, single submitter. Criteria: ACMG Guidelines, 2015. Collection method: clinical testing. Allele origin: germline.

Mayo Clinic Laboratories, Mayo Clinic
Classification: Benign. Last evaluated: 2022-09-30. Review status: criteria provided, single submitter. Criteria: ACMG Guidelines, 2015. Collection method: clinical testing. Allele origin: germline. Observed: 41 variant alleles.
Comment: BA1, BP4

Athena Diagnostics
Classification: Benign. Last evaluated: 2017-07-28. Review status: criteria provided, single submitter. Criteria: Athena Diagnostics Criteria. Collection method: clinical testing. Allele origin: germline.

Illumina Laboratory Services, Illumina
Classification: Benign for Tumoral calcinosis, hyperphosphatemic, familial, 2. Last evaluated: 2017-04-27. Review status: criteria provided, single submitter. Criteria: ICSL Variant Classification Criteria 13 December 2019. Collection method: clinical testing. Allele origin: germline.
Comment: This variant was observed as part of a predisposition screen in an ostensibly healthy population. A literature search was performed for the gene, cDNA change, and amino acid change (where applicable). No publications were found based on this search. Allele frequency data from public databases was too high to be consistent with this variant causing disease. Therefore, this variant is classified as benign.

Illumina Laboratory Services, Illumina
Classification: Benign for Autosomal dominant hypophosphatemic rickets. Last evaluated: 2017-04-27. Review status: criteria provided, single submitter. Criteria: ICSL Variant Classification Criteria 13 December 2019. Collection method: clinical testing. Allele origin: germline.
Comment: This variant was observed as part of a predisposition screen in an ostensibly healthy population. A literature search was performed for the gene, cDNA change, and amino acid change (where applicable). Publications were found based on this search. The evidence from the literature, in combination with allele frequency data from public databases where available, was sufficient to rule this variant out of causing disease. Therefore, this variant is classified as benign.

Laboratory for Molecular Medicine, Mass General Brigham Personalized Medicine
Classification: Benign. Last evaluated: 2016-03-21. Review status: criteria provided, single submitter. Criteria: LMM Criteria. Collection method: clinical testing. Allele origin: germline. Observed: 1 variant allele.
Comment: p.Thr239Met in exon 3 of FGF23: This variant is not expected to have clinical si gnificance because it has been identified in 20.38% (2358/11572) of Latino chrom osomes by the Exome Aggregation Consortium (ExAC ; dbSNP rs7955866).

GeneDx
Classification: Benign. Last evaluated: 2015-03-03. Review status: criteria provided, single submitter. Criteria: GeneDx Variant Classification Process June 2021. Collection method: clinical testing. Allele origin: germline. Affected: yes.
Comment: This variant is associated with the following publications: (PMID: 22419710)

Breakthrough Genomics
Classification: Benign. Review status: criteria provided, single submitter. Criteria: ACMG Guidelines, 2015. Collection method: not provided. Allele origin: germline. Inheritance: Autosomal recessive inheritance. Affected: yes.

Literature cited by the submitters: PubMed 22419710 (cited by Mayo Clinic Laboratories, Mayo Clinic and Illumina Laboratory Services, Illumina); PubMed 25445451 (cited by Mayo Clinic Laboratories, Mayo Clinic); PubMed 29336609 (cited by Mayo Clinic Laboratories, Mayo Clinic); PubMed 11062477 (cited by Illumina Laboratory Services, Illumina).

NM_020638.3(FGF23):c.716C>T (p.Thr239Met)

Gene: FGF23 (fibroblast growth factor 23; minus strand). Cytogenetic location: 12p13.32.
Variant type: single nucleotide variant.
Coding change: c.716C>T on transcript NM_020638.3 (MANE Select); coding-DNA position 716, C replaced by T.
Protein change: p.Thr239Met; replaces threonine 239 with methionine.
Molecular consequence: missense variant.
Genome position (GRCh38, 1-based): chr12:4,370,383, G>A on the plus strand (C>T on the coding strand, the complement: FGF23 is on the minus strand). VCF-style: chr12-4370383-G-A. GRCh37 (hg19) VCF-style: chr12-4479549-G-A.
Other names: short protein forms T239M.
Identifiers: ClinVar variation 308803 (VCV000308803.22), dbSNP rs7955866, ClinGen allele CA6395616.